The following is an entry in ClinVar:

ClinVar aggregate classification (germline): Uncertain significance (1 of 4 stars; one submission).

Submission:

Ambry Genetics
Classification: Uncertain significance. Last evaluated: 2024-03-22. Review status: criteria provided, single submitter. Criteria: Ambry Variant Classification Scheme 2023. Collection method: clinical testing. Allele origin: germline.
Comment: The p.N862Y variant (also known as c.2584A>T), located in coding exon 13 of the NPAT gene, results from an A to T substitution at nucleotide position 2584. The asparagine at codon 862 is replaced by tyrosine, an amino acid with dissimilar properties. This amino acid position is conserved. In addition, this alteration is predicted to be tolerated by in silico analysis. Since supporting evidence is limited at this time, the clinical significance of this alteration remains unclear.

NM_002519.3(NPAT):c.2584A>T (p.Asn862Tyr)

Gene: NPAT (nuclear protein, coactivator of histone transcription; minus strand). Cytogenetic location: 11q22.3.
Variant type: single nucleotide variant.
Coding change: c.2584A>T on transcript NM_002519.3 (MANE Select); coding-DNA position 2584, A replaced by T.
Protein change: p.Asn862Tyr; replaces asparagine 862 with tyrosine.
Molecular consequence: missense variant.
Genome position (GRCh38, 1-based): chr11:108,172,400, T>A on the plus strand (A>T on the coding strand, the complement: NPAT is on the minus strand). VCF-style: chr11-108172400-T-A. GRCh37 (hg19) VCF-style: chr11-108043127-T-A.
Other names: c.2584A>T, p.Asn862Tyr (NM_001321307.1); short protein forms N862Y.
Identifiers: ClinVar variation 1793411 (VCV001793411.2), dbSNP rs1335655024, ClinGen allele CA382512663.
Genomic context (GRCh38, chr11:108,172,400, plus strand): 5'-CAGATGTTCCTAACGCTGTTGGATCAGTCACACAGGTAGCTATCAGAATGTTATTTGAAT[T>A]GCCAAAAGCTGTGCTTGTGGCTGGCATCAACTGTATATATCCTCCATCCTTGGAAACACA-3'
Protein context (NP_002510.2, residues 852-872): LMPATSTAFG[Asn862Tyr]SNNILIATCV